The following is an entry in ClinVar:

ClinVar aggregate classification (germline): Pathogenic (1 of 4 stars; one submission).

Conditions:
Neurofibromatosis, type 1 (NF1). Also called: Peripheral type neurofibromatosis; Neurofibromatosis, type I; VON RECKLINGHAUSEN DISEASE; NEUROFIBROMATOSIS, TYPE I, SOMATIC. Identifiers: Orphanet 636, MedGen C0027831, MONDO:0018975, OMIM 162200. Disease mechanism: loss of function.

Submission:

Labcorp Genetics (formerly Invitae), Labcorp
Classification: Pathogenic for Neurofibromatosis, type 1. Last evaluated: 2018-05-30. Review status: criteria provided, single submitter. Criteria: Invitae Variant Classification Sherloc (09022015). Collection method: clinical testing. Allele origin: germline.
Comment: This variant has not been reported in the literature in individuals with NF1-related disease. This variant is not present in population databases (ExAC no frequency). This sequence change creates a premature translational stop signal (p.Gly1129Alafs*13) in the NF1 gene. It is expected to result in an absent or disrupted protein product. Loss-of-function variants in NF1 are known to be pathogenic (PMID: 10712197, 23913538). For these reasons, this variant has been classified as Pathogenic.

Literature cited by the submitters: PubMed 10712197; PubMed 23913538.

NM_001042492.3(NF1):c.3384del (p.Gly1129fs)

Gene: NF1 (neurofibromin 1; plus strand). Cytogenetic location: 17q11.2.
Variant type: Deletion.
Coding change: c.3384del on transcript NM_001042492.3 (MANE Select); coding-DNA position 3384, one base deleted (T; older notation c.3384delT).
Protein change: p.Gly1129fs; shifts the reading frame from glycine 1129.
Molecular consequence: frameshift variant.
Genome position (GRCh38, 1-based): chr17:31,232,769, T deleted. VCF-style (leftmost placement, unchanged base first): chr17-31232768-GT-G. GRCh37 (hg19) VCF-style: chr17-29559786-GT-G.
Other names: c.3384delT (NM_000267.3); c.3384delT, p.Gly1129Alafs (NM_000267.4); short protein forms G1129fs.
Identifiers: ClinVar variation 575579 (VCV000575579.5), dbSNP rs1567851054, ClinGen allele CA891844377.